The following is an entry in ClinVar:

ClinVar aggregate classification (germline): Pathogenic. Review status: criteria provided, multiple submitters, no conflicts (2 of 4 stars). 2 submissions from 2 submitters: Pathogenic (2). Last evaluated 2021-10-23.

Conditions:
Early-infantile DEE. Also called: Early infantile epileptic encephalopathy; Ohtahara syndrome; Early infantile epileptic encephalopathy with suppression bursts. Identifiers: Orphanet 1934, MedGen C0393706, MONDO:0800491.
Migraine, familial hemiplegic, 3. Identifiers: Orphanet 569, MedGen C1864987, MONDO:0012320, OMIM 609634.

Submissions (2):

Labcorp Genetics (formerly Invitae), Labcorp
Classification: Pathogenic for Early-infantile DEE. Last evaluated: 2021-10-23. Review status: criteria provided, single submitter. Criteria: Invitae Variant Classification Sherloc (09022015). Collection method: clinical testing. Allele origin: germline.
Comment: For these reasons, this variant has been classified as Pathogenic. Advanced modeling of protein sequence and biophysical properties (such as structural, functional, and spatial information, amino acid conservation, physicochemical variation, residue mobility, and thermodynamic stability) performed at Invitae indicates that this missense variant is expected to disrupt SCN1A protein function. ClinVar contains an entry for this variant (Variation ID: 930321). This missense change has been observed in individual(s) with Dravet syndrome (PMID: 18930999). In at least one individual the variant was observed to be de novo. This variant is not present in population databases (ExAC no frequency). This sequence change replaces tyrosine with histidine at codon 1781 of the SCN1A protein (p.Tyr1781His). The tyrosine residue is highly conserved and there is a moderate physicochemical difference between tyrosine and histidine.

Centre for Mendelian Genomics, University Medical Centre Ljubljana
Classification: Pathogenic for Migraine, familial hemiplegic, 3. Last evaluated: 2016-01-01. Review status: criteria provided, single submitter. Criteria: ACMG Guidelines, 2015. Collection method: clinical testing. Allele origin: unknown. Affected: yes.
Comment: This variant was classified as: Pathogenic. The following ACMG criteria were applied in classifying this variant: PS1,PM1,PM2,PP2,PP3.

Literature cited by the submitters: PubMed 18930999 (cited by Labcorp Genetics (formerly Invitae), Labcorp).

NM_001165963.4(SCN1A):c.5341T>C (p.Tyr1781His)

Genes: SCN1A (sodium voltage-gated channel alpha subunit 1; minus strand), LOC102724058 (uncharacterized LOC102724058; plus strand). Cytogenetic location: 2q24.3.
Variant type: single nucleotide variant.
Coding change: c.5341T>C on transcript NM_001165963.4 (MANE Select); coding-DNA position 5341, T replaced by C.
Protein change: p.Tyr1781His; replaces tyrosine 1781 with histidine.
Molecular consequence: missense variant. On other transcripts: non-coding transcript variant (1).
Genome position (GRCh38, 1-based): chr2:165,991,934, A>G on the plus strand (T>C on the coding strand, the complement: SCN1A is on the minus strand). VCF-style: chr2-165991934-A-G. GRCh37 (hg19) VCF-style: chr2-166848444-A-G.
Other names: c.5257T>C, p.Tyr1753His (NM_001165964.3, NM_001353957.2, NM_001353958.2); c.5341T>C, p.Tyr1781His (NM_001202435.3, NM_001353948.2); c.5308T>C, p.Tyr1770His (NM_001353949.2, NM_001353950.2, NM_001353951.2 and 2 more transcripts); c.5305T>C, p.Tyr1769His (NM_001353954.2, NM_001353955.2); c.5254T>C, p.Tyr1752His (NM_001353960.2); c.2899T>C, p.Tyr967His (NM_001353961.2); short protein forms Y1753H, Y1769H, Y1781H, Y967H, Y1752H, Y1770H.
Identifiers: ClinVar variation 930321 (VCV000930321.9), dbSNP rs1689242255, ClinGen allele CA349068092.